The following is an entry in ClinVar:

ClinVar aggregate classification (germline): Benign/Likely benign. Review status: criteria provided, multiple submitters, no conflicts (2 of 4 stars). 4 submissions from 4 submitters: Benign (2); Likely benign (1). 1 of the submissions does not count toward it. Last evaluated 2025-12-17.

Conditions:
Kabuki syndrome. Also called: NIIKAWA-KUROKI SYNDROME; Kabuki make-up syndrome. Identifiers: Orphanet 2322, MedGen C0796004, MONDO:0016512.
KMT2D-related disorder. Also called: KMT2D-Related Disorders.

Allele frequency attached by ClinVar (database versions not stated): gnomAD exomes 0.00004 and 0.00006; ExAC 0.00005; ESP Exome Variant Server 0.00024; 1000 Genomes Project 30x 0.00031; gnomAD 0.00033 and 0.00036; TOPMed 0.00035; 1000 Genomes Project 0.00040.
gnomAD v4.1: 111 of 1,597,332 alleles (0.0069%); highest among the groups gnomAD compares: African/African-American, 0.14%; no homozygotes.

Submissions (4):

Labcorp Genetics (formerly Invitae), Labcorp
Classification: Benign for Kabuki syndrome. Last evaluated: 2025-12-17. Review status: criteria provided, single submitter. Criteria: Invitae Variant Classification Sherloc (09022015). Collection method: clinical testing. Allele origin: germline.

Blueprint Genetics
Classification: Likely benign. Last evaluated: 2023-09-30. Review status: criteria provided, single submitter. Criteria: ACMG Guidelines, 2015. Collection method: clinical testing. Allele origin: germline.

GeneDx
Classification: Benign. Last evaluated: 2020-01-17. Review status: criteria provided, single submitter. Criteria: GeneDx Variant Classification Process June 2021. Collection method: clinical testing. Allele origin: germline. Affected: yes.

PreventionGenetics, part of Exact Sciences
Classification: Likely benign for KMT2D-related condition. Last evaluated: 2021-01-13. Review status: no assertion criteria provided. Collection method: clinical testing. Allele origin: germline. Not counted in ClinVar's aggregate classification.
Comment: This variant is classified as likely benign based on ACMG/AMP sequence variant interpretation guidelines (Richards et al. 2015 PMID: 25741868, with internal and published modifications).

NM_003482.4(KMT2D):c.711G>A (p.Glu237=)

Gene: KMT2D (lysine methyltransferase 2D; minus strand). Cytogenetic location: 12q13.12.
Variant type: single nucleotide variant.
Coding change: c.711G>A on transcript NM_003482.4 (MANE Select); coding-DNA position 711, G replaced by A.
Protein change: p.Glu237=; no amino-acid change (glutamic acid 237 retained).
Molecular consequence: synonymous variant.
Genome position (GRCh38, 1-based): chr12:49,053,604, C>T on the plus strand (G>A on the coding strand, the complement: KMT2D is on the minus strand). VCF-style: chr12-49053604-C-T. GRCh37 (hg19) VCF-style: chr12-49447387-C-T.
Identifiers: ClinVar variation 1232885 (VCV001232885.15), dbSNP rs192397485, ClinGen allele CA6548665.